The following is an entry in ClinVar:

ClinVar aggregate classification (germline): Uncertain significance. Review status: criteria provided, multiple submitters, no conflicts (2 of 4 stars). 2 submissions from 2 submitters: Uncertain significance (2). Last evaluated 2023-08-17.

Conditions:
Endometrial carcinoma. Also called: Endometrial carcinoma, somatic. Identifiers: MedGen C0476089, MONDO:0002447, OMIM 608089, HP:0012114.

Submissions (2):

Baylor Genetics
Classification: Uncertain significance for Endometrial carcinoma. Last evaluated: 2023-08-17. Review status: criteria provided, single submitter. Criteria: ACMG Guidelines, 2015. Collection method: clinical testing. Allele origin: unknown.

Labcorp Genetics (formerly Invitae), Labcorp
Classification: Uncertain significance. Last evaluated: 2023-06-29. Review status: criteria provided, single submitter. Criteria: Invitae Variant Classification Sherloc (09022015). Collection method: clinical testing. Allele origin: germline.
Comment: In summary, the available evidence is currently insufficient to determine the role of this variant in disease. Therefore, it has been classified as a Variant of Uncertain Significance. An algorithm developed to predict the effect of missense changes on protein structure and function (PolyPhen-2) suggests that this variant is likely to be disruptive. ClinVar contains an entry for this variant (Variation ID: 1491847). This variant has not been reported in the literature in individuals affected with MSH3-related conditions. This variant is not present in population databases (gnomAD no frequency). This sequence change replaces lysine, which is basic and polar, with glutamic acid, which is acidic and polar, at codon 823 of the MSH3 protein (p.Lys823Glu).

NM_002439.5(MSH3):c.2467A>G (p.Lys823Glu)

Gene: MSH3 (mutS homolog 3; plus strand). Cytogenetic location: 5q14.1.
Variant type: single nucleotide variant.
Coding change: c.2467A>G on transcript NM_002439.5 (MANE Select); coding-DNA position 2467, A replaced by G.
Protein change: p.Lys823Glu; replaces lysine 823 with glutamic acid.
Molecular consequence: missense variant.
Genome position (GRCh38, 1-based): chr5:80,787,596, A>G. VCF-style: chr5-80787596-A-G. GRCh37 (hg19) VCF-style: chr5-80083415-A-G.
Other names: short protein forms K823E.
Identifiers: ClinVar variation 1491847 (VCV001491847.7), dbSNP rs2112020231, ClinGen allele CA360283099.
Genomic context (GRCh38, chr5:80,787,596, plus strand): 5'-CCTTTTTGTTGTTGCTGCTGCTTCCGTAGGAAATTCAGTGAACATTATCACTCCTTGTGT[A>G]AAGCAGTGCATCACCTAGCAACTGTTGACTGCATTTTCTCCCTGGCCAAGGTCGCTAAGC-3'
Protein context (NP_002430.3, residues 813-833): KFSEHYHSLC[Lys823Glu]AVHHLATVDC